The following is an entry in ClinVar:

NM_001374259.2(IL12RB2):c.709G>C (p.Ala237Pro)

Gene: IL12RB2 (interleukin 12 receptor subunit beta 2; plus strand). Cytogenetic location: 1p31.3.
Variant type: single nucleotide variant.
Coding change: c.709G>C on transcript NM_001374259.2 (MANE Select); coding-DNA position 709, G replaced by C.
Protein change: p.Ala237Pro; replaces alanine 237 with proline.
Molecular consequence: missense variant. On other transcripts: non-coding transcript variant (2).
Genome position (GRCh38, 1-based): chr1:67,329,631, G>C. VCF-style: chr1-67329631-G-C. GRCh37 (hg19) VCF-style: chr1-67795314-G-C.
Other names: c.709G>C, p.Ala237Pro (NM_001258214.1, NM_001258215.1, NM_001258216.1 and 2 more transcripts); short protein forms A237P.
Identifiers: ClinVar variation 2826352 (VCV002826352.3), dbSNP rs777500826, ClinGen allele CA23502557.

ClinVar aggregate classification (germline): Uncertain significance (1 of 4 stars; one submission).

Allele frequency attached by ClinVar (database versions not stated): gnomAD 0.00001.

Submission:

Labcorp Genetics (formerly Invitae), Labcorp
Classification: Uncertain significance. Last evaluated: 2025-10-09. Review status: criteria provided, single submitter. Criteria: Invitae Variant Classification Sherloc (09022015). Collection method: clinical testing. Allele origin: germline.
Comment: This sequence change replaces alanine, which is neutral and non-polar, with proline, which is neutral and non-polar, at codon 237 of the IL12RB2 protein (p.Ala237Pro). This variant is present in population databases (rs777500826, gnomAD 0.002%). This variant has not been reported in the literature in individuals affected with IL12RB2-related conditions. ClinVar contains an entry for this variant (Variation ID: 2826352). An algorithm developed to predict the effect of missense changes on protein structure and function (PolyPhen-2) suggests that this variant is likely to be tolerated. In summary, the available evidence is currently insufficient to determine the role of this variant in disease. Therefore, it has been classified as a Variant of Uncertain Significance.